The following is an entry in ClinVar:

NM_004744.5(LRAT):c.382G>C (p.Asp128His)

Gene: LRAT (lecithin retinol acyltransferase; plus strand). Cytogenetic location: 4q32.1.
Variant type: single nucleotide variant.
Coding change: c.382G>C on transcript NM_004744.5 (MANE Select); coding-DNA position 382, G replaced by C.
Protein change: p.Asp128His; replaces aspartic acid 128 with histidine.
Molecular consequence: missense variant.
Genome position (GRCh38, 1-based): chr4:154,744,708, G>C. VCF-style: chr4-154744708-G-C. GRCh37 (hg19) VCF-style: chr4-155665860-G-C.
Other names: c.382G>C, p.Asp128His (NM_001301645.2); short protein forms D128H.
Identifiers: ClinVar variation 1002357 (VCV001002357.11), dbSNP rs1732845050, ClinGen allele CA358630571.
Genomic context (GRCh38, chr4:154,744,708, plus strand): 5'-ATCCGCGTGGACACAGTGGAGGACTTCGCCTACGGAGCTAACATCCTGGTCAATCACCTG[G>C]ACGAGTCCCTCCAGAAAAAGGCACTGCTCAACGAGGAGGTGGCGCGGAGGGCTGAAAAGC-3'
Protein context (NP_004735.2, residues 118-138): YGANILVNHL[Asp128His]ESLQKKALLN

ClinVar aggregate classification (germline): Uncertain significance. Review status: criteria provided, multiple submitters, no conflicts (2 of 4 stars). 2 submissions from 2 submitters: Uncertain significance (2). Last evaluated 2022-06-27.

Conditions:
Leber congenital amaurosis 14 (LCA14). Identifiers: MedGen C2750063, MONDO:0013231, OMIM 613341.
Retinitis pigmentosa (RP). Identifiers: Orphanet 791, MedGen C0035334, MeSH D012174, MONDO:0019200, OMIM 268000. Inheritance: Autosomal dominant, autosomal recessive and X linked inheritance.

Submissions (2):

Labcorp Genetics (formerly Invitae), Labcorp
Classification: Uncertain significance. Last evaluated: 2022-06-27. Review status: criteria provided, single submitter. Criteria: Invitae Variant Classification Sherloc (09022015). Collection method: clinical testing. Allele origin: germline.
Comment: ClinVar contains an entry for this variant (Variation ID: 1002357). This variant has not been reported in the literature in individuals affected with LRAT-related conditions. This variant is not present in population databases (gnomAD no frequency). This sequence change replaces aspartic acid, which is acidic and polar, with histidine, which is basic and polar, at codon 128 of the LRAT protein (p.Asp128His). Algorithms developed to predict the effect of missense changes on protein structure and function (SIFT, PolyPhen-2, Align-GVGD) all suggest that this variant is likely to be disruptive. In summary, the available evidence is currently insufficient to determine the role of this variant in disease. Therefore, it has been classified as a Variant of Uncertain Significance.

Fulgent Genetics
Classification: Uncertain significance for Retinitis pigmentosa; Leber congenital amaurosis 14. Last evaluated: 2021-10-19. Review status: criteria provided, single submitter. Criteria: ACMG Guidelines, 2015. Collection method: clinical testing. Allele origin: unknown.